The following is an entry in ClinVar:

NM_004415.4(DSP):c.3683A>G (p.Lys1228Arg)

Gene: DSP (desmoplakin; plus strand). Cytogenetic location: 6p24.3.
Variant type: single nucleotide variant.
Coding change: c.3683A>G on transcript NM_004415.4 (MANE Select); coding-DNA position 3683, A replaced by G.
Protein change: p.Lys1228Arg; replaces lysine 1228 with arginine.
Molecular consequence: missense variant. On other transcripts: intron variant (1).
Genome position (GRCh38, 1-based): chr6:7,579,873, A>G. VCF-style: chr6-7579873-A-G. GRCh37 (hg19) VCF-style: chr6-7580106-A-G.
Other names: c.3683A>G, p.Lys1228Arg (NM_001319034.2); c.3582+101A>G (NM_001008844.3); short protein forms K1228R.
Identifiers: ClinVar variation 4820467 (VCV004820467.1).

ClinVar aggregate classification (germline): Uncertain significance (1 of 4 stars; one submission).

Conditions:
Cardiovascular phenotype. Identifiers: MedGen CN230736.

gnomAD v4.1: 9 of 1,614,162 alleles (0.00056%); highest among the groups gnomAD compares: Non-Finnish European, 0.00076%; no homozygotes.

Submission:

Molecular Diagnostic Laboratory for Inherited Cardiovascular Disease, Montreal Heart Institute
Classification: Uncertain significance for Cardiovascular phenotype. Last evaluated: 2026-03-27. Review status: criteria provided, single submitter. Criteria: ACMG Guidelines, 2015. Collection method: clinical testing. Allele origin: germline. Affected: yes.
Comment: PM2